The following is an entry in ClinVar:

NM_001282225.2(ADA2):c.707A>G (p.Tyr236Cys)

Gene: ADA2 (adenosine deaminase 2; minus strand). Cytogenetic location: 22q11.1.
Variant type: single nucleotide variant.
Coding change: c.707A>G on transcript NM_001282225.2 (MANE Select); coding-DNA position 707, A replaced by G.
Protein change: p.Tyr236Cys; replaces tyrosine 236 with cysteine.
Molecular consequence: missense variant.
Genome position (GRCh38, 1-based): chr22:17,203,609, T>C on the plus strand (A>G on the coding strand, the complement: ADA2 is on the minus strand). VCF-style: chr22-17203609-T-C. GRCh37 (hg19) VCF-style: chr22-17684499-T-C.
Other names: c.707A>G, p.Tyr236Cys (NM_001282226.2); c.581A>G, p.Tyr194Cys (NM_001282227.2, NM_001282228.2); c.347A>G, p.Tyr116Cys (NM_001282229.2); short protein forms Y116C, Y194C, Y236C.
Identifiers: ClinVar variation 1017788 (VCV001017788.6), dbSNP rs145966045, ClinGen allele CA10088155.

ClinVar aggregate classification (germline): Uncertain significance. Review status: criteria provided, multiple submitters, no conflicts (2 of 4 stars). 2 submissions from 2 submitters: Uncertain significance (2). Last evaluated 2022-12-16.

Conditions:
Deficiency of adenosine deaminase 2. Also called: Adenosine Deaminase 2 Deficiency; VASCULITIS, AUTOINFLAMMATION, IMMUNODEFICIENCY, AND HEMATOLOGIC DEFECTS SYNDROME; Polyarteritis nodosa, childhoood-onset. Identifiers: Orphanet 404553, MedGen C3887654, MONDO:0014306, OMIM 615688, MONDO:0100317.

Allele frequency attached by ClinVar (database versions not stated): gnomAD exomes 0.00002 and 0.00005; gnomAD 0.00003 and 0.00004; TOPMed 0.00003; ExAC 0.00005; ESP Exome Variant Server 0.00008.
gnomAD v4.1: 79 of 1,613,416 alleles (0.0049%); highest among the groups gnomAD compares: Non-Finnish European, 0.0066%; no homozygotes.

Submissions (2):

Blueprint Genetics
Classification: Uncertain significance. Last evaluated: 2022-12-16. Review status: criteria provided, single submitter. Criteria: ACMG Guidelines, 2015. Collection method: clinical testing. Allele origin: germline.

Labcorp Genetics (formerly Invitae), Labcorp
Classification: Uncertain significance for Deficiency of adenosine deaminase 2. Last evaluated: 2021-09-29. Review status: criteria provided, single submitter. Criteria: Invitae Variant Classification Sherloc (09022015). Collection method: clinical testing. Allele origin: germline.
Comment: In summary, the available evidence is currently insufficient to determine the role of this variant in disease. Therefore, it has been classified as a Variant of Uncertain Significance. Algorithms developed to predict the effect of missense changes on protein structure and function are either unavailable or do not agree on the potential impact of this missense change (SIFT: "Deleterious"; PolyPhen-2: "Possibly Damaging"; Align-GVGD: "Class C0"). This variant has not been reported in the literature in individuals affected with ADA2-related conditions. This variant is present in population databases (rs145966045, ExAC 0.009%). This sequence change replaces tyrosine with cysteine at codon 236 of the ADA2 protein (p.Tyr236Cys). The tyrosine residue is highly conserved and there is a large physicochemical difference between tyrosine and cysteine.